The following is an entry in ClinVar:

NM_002485.5(NBN):c.14_23del (p.Leu5fs)

Gene: NBN (nibrin; minus strand). Cytogenetic location: 8q21.3.
Variant type: Deletion.
Coding change: c.14_23del on transcript NM_002485.5 (MANE Select); coding-DNA positions 14 to 23, 10 bases deleted (TGCCCGCCGC; older notation c.14_23delTGCCCGCCGC).
Protein change: p.Leu5fs; shifts the reading frame from leucine 5.
Molecular consequence: frameshift variant. On other transcripts: 5 prime UTR variant (1).
Genome position (GRCh38, 1-based): chr8:89,984,539-89,984,548, GCGGCGGGCA deleted on the plus strand (TGCCCGCCGC on the coding strand, the reverse complement: NBN is on the minus strand); deleting any 10 consecutive bases within chr8:89,984,539-89,984,550 gives the same sequence; the c. name uses the placement nearest the transcript's 3' end. VCF-style (leftmost placement, unchanged base first): chr8-89984538-CGCGGCGGGCA-C. GRCh37 (hg19) VCF-style: chr8-90996766-CGCGGCGGGCA-C.
Other names: c.-283_-274del (NM_001024688.3); short protein forms L5fs.
Identifiers: ClinVar variation 1452434 (VCV001452434.7), dbSNP rs2129938178, ClinGen allele CA2573143438.
Genomic context (GRCh38, chr8:89,984,538, plus strand): 5'-AGTCGCTACCGGGAAAATAGGCCCCGAGGCTTCCCTTCTGCCCTTACCTCCTGCCGGGCC[CGCGGCGGGCA>C]GCAGTTTCCACATCGGTCCGGCTCCTCAGGGCTGGGGCCGACGTGCAACCGCGTAACCGG-3'

ClinVar aggregate classification (germline): Pathogenic/Likely pathogenic. Review status: criteria provided, multiple submitters, no conflicts (2 of 4 stars). 2 submissions from 2 submitters: Pathogenic (1); Likely pathogenic (1). Last evaluated 2023-05-29.

Conditions:
Microcephaly, normal intelligence and immunodeficiency (NBS). Also called: BERLIN BREAKAGE SYNDROME; IMMUNODEFICIENCY, MICROCEPHALY, AND CHROMOSOMAL INSTABILITY; SEEMANOVA SYNDROME II; Immunodeficiency, microcephaly with normal intelligence; Nijmegen breakage syndrome; Microcephaly with normal intelligence immunodeficiency and lymphoreticular malignancies. Identifiers: Orphanet 647, MedGen C0398791, MONDO:0009623, OMIM 251260.
Aplastic anemia. Identifiers: Orphanet 182040, Orphanet 88, MedGen C0002874, MONDO:0015909, OMIM 609135, HP:0001915.

Submissions (2):

Baylor Genetics
Classification: Likely pathogenic for Aplastic anemia. Last evaluated: 2023-05-29. Review status: criteria provided, single submitter. Criteria: ACMG Guidelines, 2015. Collection method: clinical testing. Allele origin: unknown.

Labcorp Genetics (formerly Invitae), Labcorp
Classification: Pathogenic for Microcephaly, normal intelligence and immunodeficiency. Last evaluated: 2021-09-18. Review status: criteria provided, single submitter. Criteria: Invitae Variant Classification Sherloc (09022015). Collection method: clinical testing. Allele origin: germline.
Comment: For these reasons, this variant has been classified as Pathogenic. This variant has not been reported in the literature in individuals affected with NBN-related conditions. This sequence change creates a premature translational stop signal (p.Leu5Argfs*12) in the NBN gene. It is expected to result in an absent or disrupted protein product. Loss-of-function variants in NBN are known to be pathogenic (PMID: 9590180, 16415040). This variant is not present in population databases (ExAC no frequency).

Literature cited by the submitters: PubMed 9590180 (cited by Labcorp Genetics (formerly Invitae), Labcorp); PubMed 16415040 (cited by Labcorp Genetics (formerly Invitae), Labcorp).